The following is an entry in ClinVar:

ClinVar aggregate classification (germline): Pathogenic (1 of 4 stars; one submission).

Conditions:
Episodic kinesigenic dyskinesia (EKD). Also called: Paroxysmal kinesigenic dyskinesia. Identifiers: Orphanet 98809, MedGen C1868682, MONDO:0044202.

gnomAD v4.1: 1 of 1,608,868 alleles (0.000062%); highest among the groups gnomAD compares: Admixed American, 0.0017%; no homozygotes.

Submission:

Labcorp Genetics (formerly Invitae), Labcorp
Classification: Pathogenic for Episodic kinesigenic dyskinesia. Last evaluated: 2025-07-06. Review status: criteria provided, single submitter. Criteria: Invitae Variant Classification Sherloc (09022015). Collection method: clinical testing. Allele origin: germline.
Comment: This sequence change replaces glycine, which is neutral and non-polar, with arginine, which is basic and polar, at codon 305 of the PRRT2 protein (p.Gly305Arg). This variant is present in population databases (no rsID available, gnomAD 0.003%). A different variant (c.913G>A) giving rise to the same protein effect has been determined to be pathogenic (PMID: 22209761, 22895590, 30392205). This suggests that this variant is also likely to be causative of disease. ClinVar contains an entry for this variant (Variation ID: 2724476). Invitae Evidence Modeling of protein sequence and biophysical properties (such as structural, functional, and spatial information, amino acid conservation, physicochemical variation, residue mobility, and thermodynamic stability) indicates that this missense variant is expected to disrupt PRRT2 protein function with a positive predictive value of 95%. For these reasons, this variant has been classified as Pathogenic.

Literature cited by the submitters: PubMed 22209761; PubMed 22895590; PubMed 30392205.

NM_145239.3(PRRT2):c.913G>C (p.Gly305Arg)

Genes: MVP-DT (MVP divergent transcript; minus strand), PRRT2 (proline rich transmembrane protein 2; plus strand). Cytogenetic location: 16p11.2.
Variant type: single nucleotide variant.
Coding change: c.913G>C on transcript NM_145239.3 (MANE Select); coding-DNA position 913, G replaced by C.
Protein change: p.Gly305Arg; replaces glycine 305 with arginine.
Molecular consequence: missense variant. On other transcripts: 3 prime UTR variant (1).
Genome position (GRCh38, 1-based): chr16:29,814,366, G>C. VCF-style: chr16-29814366-G-C. GRCh37 (hg19) VCF-style: chr16-29825687-G-C.
Other names: c.913G>C, p.Gly305Arg (NM_001256442.2); c.*412G>C (NM_001256443.2); short protein forms G305R.
Identifiers: ClinVar variation 2724476 (VCV002724476.3), dbSNP rs767799831, ClinGen allele CA395480572.